The following is an entry in ClinVar:

NM_033198.4(PIGS):c.792C>T (p.Ala264=)

Gene: PIGS (phosphatidylinositol glycan anchor biosynthesis class S; minus strand). Cytogenetic location: 17q11.2.
Variant type: single nucleotide variant.
Coding change: c.792C>T on transcript NM_033198.4 (MANE Select); coding-DNA position 792, C replaced by T.
Protein change: p.Ala264=; no amino-acid change (alanine 264 retained).
Molecular consequence: synonymous variant.
Genome position (GRCh38, 1-based): chr17:28,560,076, G>A on the plus strand (C>T on the coding strand, the complement: PIGS is on the minus strand). VCF-style: chr17-28560076-G-A. GRCh37 (hg19) VCF-style: chr17-26887094-G-A.
Other names: c.792C>T (NM_033198.3).
Identifiers: ClinVar variation 2647585 (VCV002647585.26), dbSNP rs115528118, ClinGen allele CA8460189.

ClinVar aggregate classification (germline): Likely benign. Review status: criteria provided, multiple submitters, no conflicts (2 of 4 stars). 3 submissions from 3 submitters: Likely benign (2). 1 of the submissions does not count toward it. Last evaluated 2026-05-01.

Conditions:
PIGS-related disorder. Also called: PIGS-related condition.

Allele frequency attached by ClinVar (database versions not stated): gnomAD exomes 0.00018; ExAC 0.00054; 1000 Genomes Project 0.00180; 1000 Genomes Project 30x 0.00187; TOPMed 0.00221; gnomAD 0.00226; ESP Exome Variant Server 0.00254.
gnomAD v4.1: 609 of 1,612,046 alleles (0.038%); highest among the groups gnomAD compares: African/African-American, 0.72%; 1 homozygote.

Submissions (3):

CeGaT Center for Human Genetics Tuebingen
Classification: Likely benign. Last evaluated: 2026-05-01. Review status: criteria provided, single submitter. Criteria: CeGaT Center For Human Genetics Tuebingen Variant Classification Criteria Version 2. Collection method: clinical testing. Allele origin: germline. Affected: yes. Observed: 3 variant alleles.
Comment: PIGS: BP4, BP7

Blueprint Genetics
Classification: Likely benign. Last evaluated: 2024-09-09. Review status: criteria provided, single submitter. Criteria: ACMG Guidelines, 2015. Collection method: clinical testing. Allele origin: germline.

PreventionGenetics, part of Exact Sciences
Classification: Likely benign for PIGS-related condition. Last evaluated: 2019-03-19. Review status: no assertion criteria provided. Collection method: clinical testing. Allele origin: germline. Not counted in ClinVar's aggregate classification.
Comment: This variant is classified as likely benign based on ACMG/AMP sequence variant interpretation guidelines (Richards et al. 2015 PMID: 25741868, with internal and published modifications).